The following is an entry in ClinVar:

NM_000069.2(CACNA1S):c.-231A>G

Gene: CACNA1S (calcium voltage-gated channel subunit alpha1 S; minus strand). Cytogenetic location: 1q32.1.
Variant type: single nucleotide variant.
Coding change: c.-231A>G on transcript NM_000069.2; 231 bases upstream of the start codon, A replaced by G.
Genome position (GRCh38, 1-based): chr1:201,112,570, T>C on the plus strand (A>G on the coding strand, the complement: CACNA1S is on the minus strand). VCF-style: chr1-201112570-T-C. GRCh37 (hg19) VCF-style: chr1-201081698-T-C.
Identifiers: ClinVar variation 368842 (VCV000368842.9), dbSNP rs4506487, ClinGen allele CA10654432.

ClinVar aggregate classification (germline): Benign. Review status: criteria provided, multiple submitters, no conflicts (2 of 4 stars). 6 submissions from 3 submitters: Benign (6). Last evaluated 2023-04-11.

Conditions:
Hypokalemic periodic paralysis, type 1. Also called: Hypokalemic Periodic Paralysis Type 1 (AD); HypoPP. Identifiers: Orphanet 681, MedGen C3714580, MONDO:0042979, OMIM 170400.
Malignant hyperthermia, susceptibility to, 5 (MHS5). Also called: CACNA1S-Related Malignant Hyperthermia Susceptibility. Identifiers: Orphanet 423, MedGen C1866077, MONDO:0011163, OMIM 601887.
Thyrotoxic periodic paralysis, susceptibility to, 1 (TTPP1). Identifiers: Orphanet 79102, MedGen C2749982, MONDO:0008570, OMIM 188580.
Congenital myopathy 18. Also called: DIHYDROPYRIDINE RECEPTOR CONGENITAL MYOPATHY; DHPR CONGENITAL MYOPATHY; Myopathy, congenital, due to dihydropyridine receptor defect. Identifiers: MedGen C5830283, MONDO:0859514, OMIM 620246.

Allele frequency attached by ClinVar (database versions not stated): gnomAD 0.28191 and 0.28801; TOPMed 0.29606; 1000 Genomes Project 0.36821; 1000 Genomes Project 30x 0.36290; gnomAD exomes 0.26866.

Submissions (6):

Genome-Nilou Lab
Classification: Benign for Malignant hyperthermia, susceptibility to, 5. Last evaluated: 2023-04-11. Review status: criteria provided, single submitter. Criteria: ACMG Guidelines, 2015. Collection method: clinical testing. Allele origin: germline. Affected: no.

Genome-Nilou Lab
Classification: Benign for Thyrotoxic periodic paralysis, susceptibility to, 1. Last evaluated: 2023-04-11. Review status: criteria provided, single submitter. Criteria: ACMG Guidelines, 2015. Collection method: clinical testing. Allele origin: germline. Affected: no.

Genome-Nilou Lab
Classification: Benign for Congenital myopathy 18. Last evaluated: 2023-04-11. Review status: criteria provided, single submitter. Criteria: ACMG Guidelines, 2015. Collection method: clinical testing. Allele origin: germline. Affected: no.

Genome-Nilou Lab
Classification: Benign for Hypokalemic periodic paralysis, type 1. Last evaluated: 2023-04-11. Review status: criteria provided, single submitter. Criteria: ACMG Guidelines, 2015. Collection method: clinical testing. Allele origin: germline. Affected: no.

GeneDx
Classification: Benign. Last evaluated: 2018-06-16. Review status: criteria provided, single submitter. Criteria: GeneDx Variant Classification (06012015). Collection method: clinical testing. Allele origin: germline. Affected: yes.
Comment: This variant is considered likely benign or benign based on one or more of the following criteria: it is a conservative change, it occurs at a poorly conserved position in the protein, it is predicted to be benign by multiple in silico algorithms, and/or has population frequency not consistent with disease.

Breakthrough Genomics
Classification: Benign. Review status: criteria provided, single submitter. Criteria: ACMG Guidelines, 2015. Collection method: not provided. Allele origin: germline. Inheritance: Autosomal dominant inheritance. Affected: yes.